The following is an entry in ClinVar:

ClinVar aggregate classification (germline): Likely benign (1 of 4 stars; one submission).

gnomAD v4.1: 500 of 394,604 alleles (0.13%); highest among the groups gnomAD compares: African/African-American, 0.92%; 4 homozygotes.

Submission:

CeGaT Center for Human Genetics Tuebingen
Classification: Likely benign. Last evaluated: 2026-09-01. Review status: criteria provided, single submitter. Criteria: CeGaT Center For Human Genetics Tuebingen Variant Classification Criteria Version 2. Collection method: clinical testing. Allele origin: germline. Affected: yes. Observed: 2 variant alleles.
Comment: KCNQ1OT1: BS2

NM_000218.3(KCNQ1):c.1394-21742C>T

Genes: KCNQ1 (potassium voltage-gated channel subfamily Q member 1; plus strand), KCNQ1OT1 (KCNQ1 opposite strand/antisense transcript 1; minus strand). Cytogenetic location: 11p15.5.
Variant type: single nucleotide variant.
Coding change: c.1394-21742C>T on transcript NM_000218.3 (MANE Select); 21742 bases into the intron before coding-DNA position 1394, C replaced by T.
Molecular consequence: intron variant. On other transcripts: non-coding transcript variant (1).
Genome position (GRCh38, 1-based): chr11:2,640,219, C>T. VCF-style: chr11-2640219-C-T. GRCh37 (hg19) VCF-style: chr11-2661449-C-T.
Other names: c.1124-21742C>T (NM_001406837.1); c.1298-21742C>T (NM_001406836.1); c.854-21742C>T (NM_001406838.1); c.1013-21742C>T (NM_181798.2).
Identifiers: ClinVar variation 5039568 (VCV005039568.1).